The following is an entry in ClinVar:

NM_001098816.3(TENM4):c.510G>A (p.Leu170=)

Gene: TENM4 (teneurin transmembrane protein 4; minus strand). Cytogenetic location: 11q14.1.
Variant type: single nucleotide variant.
Coding change: c.510G>A on transcript NM_001098816.3 (MANE Select); coding-DNA position 510, G replaced by A.
Protein change: p.Leu170=; no amino-acid change (leucine 170 retained).
Molecular consequence: synonymous variant.
Genome position (GRCh38, 1-based): chr11:78,903,507, C>T on the plus strand (G>A on the coding strand, the complement: TENM4 is on the minus strand). VCF-style: chr11-78903507-C-T. GRCh37 (hg19) VCF-style: chr11-78614552-C-T.
Identifiers: ClinVar variation 1338998 (VCV001338998.2), dbSNP rs2136329320, ClinGen allele CA476156076.

ClinVar aggregate classification (germline): Uncertain significance (1 of 4 stars; one submission).

Conditions:
Tremor, hereditary essential, 5 (ETM5). Identifiers: MedGen C4225223, MONDO:0014756, OMIM 616736.

Allele frequency attached by ClinVar (database versions not stated): gnomAD exomes below 0.00001.
gnomAD v4.1: 6 of 1,547,266 alleles (0.00039%); highest among the groups gnomAD compares: South Asian, 0.0048%; no homozygotes.

Submission:

Neuberg Centre For Genomic Medicine, NCGM
Classification: Uncertain significance for Tremor, hereditary essential, 5. Review status: criteria provided, single submitter. Criteria: ACMG Guidelines, 2015. Collection method: clinical testing. Allele origin: germline. Affected: yes.
Comment: The synonymous variant p.L170= in TENM4 (NM_001098816.3) has not been reported previously as a pathogenic variant nor as a benign variant, to our knowledge. The p.L170= variant is novel (not in any individuals) in gnomAD Exomes and is novel (not in any individuals) in 1000 Genomes. The p.L170= variant is not predicted to disrupt splicing by any splice site algorithm. For these reasons, this variant has been classified as Uncertain Significance.